The following is an entry in ClinVar:

NM_024642.5(GALNT12):c.255G>T (p.Gln85His)

Gene: GALNT12 (polypeptide N-acetylgalactosaminyltransferase 12; plus strand). Cytogenetic location: 9q22.33.
Variant type: single nucleotide variant.
Coding change: c.255G>T on transcript NM_024642.5 (MANE Select); coding-DNA position 255, G replaced by T.
Protein change: p.Gln85His; replaces glutamine 85 with histidine.
Molecular consequence: missense variant.
Genome position (GRCh38, 1-based): chr9:98,807,953, G>T. VCF-style: chr9-98807953-G-T. GRCh37 (hg19) VCF-style: chr9-101570235-G-T.
Other names: short protein forms Q85H.
Identifiers: ClinVar variation 3518481 (VCV003518481.1).

ClinVar aggregate classification (germline): Uncertain significance (1 of 4 stars; one submission).

Submission:

Ambry Genetics
Classification: Uncertain significance. Last evaluated: 2024-07-15. Review status: criteria provided, single submitter. Criteria: Ambry Variant Classification Scheme 2023. Collection method: clinical testing. Allele origin: germline.
Comment: The p.Q85H variant (also known as c.255G>T), located in coding exon 1 of the GALNT12 gene, results from a G to T substitution at nucleotide position 255. The glutamine at codon 85 is replaced by histidine, an amino acid with highly similar properties. This amino acid position is conserved. In addition, this alteration is predicted to be tolerated by in silico analysis. Based on the available evidence, the clinical significance of this variant remains unclear.